The following is an entry in ClinVar:

NM_152641.4(ARID2):c.4255_4256del (p.Pro1419fs)

Gene: ARID2 (AT-rich interaction domain 2; plus strand). Cytogenetic location: 12q12.
Variant type: Deletion.
Coding change: c.4255_4256del on transcript NM_152641.4 (MANE Select); coding-DNA positions 4255 to 4256, 2 bases deleted (CC; older notation c.4255_4256delCC).
Protein change: p.Pro1419fs; shifts the reading frame from proline 1419.
Molecular consequence: frameshift variant.
Genome position (GRCh38, 1-based): chr12:45,852,378-45,852,379, CC deleted. VCF-style (leftmost placement, unchanged base first): chr12-45852377-ACC-A. GRCh37 (hg19) VCF-style: chr12-46246160-ACC-A.
Other names: c.4255_4256del, p.Pro1419fs (NM_001347839.2); short protein forms P1419fs.
Identifiers: ClinVar variation 1699019 (VCV001699019.3), dbSNP rs2138178306, ClinGen allele CA2573131725.
Genomic context (GRCh38, chr12:45,852,377, plus strand): 5'-TTTAGATATCACTCAGCAAGATACTGCCAAAGGTGATCAACTAGAAAGAATTTCTAATGG[ACC>A]TGTATTAACTTTGGGTGGTTCATCTGTGAGCAGTATACAGGAGGCTTCAAATGCGGCAAC-3'

ClinVar aggregate classification (germline): Pathogenic (1 of 4 stars; one submission).

Conditions:
Coffin-Siris syndrome 6. Identifiers: MedGen C4540499, MONDO:0033492, OMIM 617808.

Submission:

Victorian Clinical Genetics Services, Murdoch Childrens Research Institute
Classification: Pathogenic for Coffin-Siris syndrome 6. Last evaluated: 2022-02-02. Review status: criteria provided, single submitter. Criteria: ACMG Guidelines, 2015. Collection method: clinical testing. Allele origin: germline. Inheritance: Autosomal dominant inheritance.
Comment: Based on the classification scheme VCGS_Germline_v1.3.4, this variant is classified as Pathogenic. Following criteria are met: 0102 - Loss of function is a known mechanism of disease in this gene and is associated with ARID2-related Coffin-Siris syndrome (MIM#617808). (I) 0107 - This gene is associated with autosomal dominant disease. (I) 0201 - Variant is predicted to cause nonsense-mediated decay (NMD) and loss of protein (premature termination codon is located at least 54 nucleotides upstream of the final exon-exon junction). (SP) 0251 - This variant is heterozygous. (I) 0301 - Variant is absent from gnomAD (both v2 and v3). (SP) 0701 - Other NMD-predicted variants comparable to the one identified in this case have very strong previous evidence for pathogenicity. These variants have been reported many times as pathogenic, and observed in individuals with Coffin-Siris syndrome (DECIPHER, PMID: 28124119). (SP) 0807 - This variant has no previous evidence of pathogenicity. (I) 0905 - No published segregation evidence has been identified for this variant. (I) 1007 - No published functional evidence has been identified for this variant. (SP) Legend: (SP) - Supporting pathogenic, (I) - Information, (SB) - Supporting benign

Literature cited by the submitters: PubMed 28124119.